The following is an entry in ClinVar:

NM_206937.2(LIG4):c.1250C>T (p.Ala417Val)

Gene: LIG4 (DNA ligase 4; minus strand). Cytogenetic location: 13q33.3.
Variant type: single nucleotide variant.
Coding change: c.1250C>T on transcript NM_206937.2 (MANE Select); coding-DNA position 1250, C replaced by T.
Protein change: p.Ala417Val; replaces alanine 417 with valine.
Molecular consequence: missense variant.
Genome position (GRCh38, 1-based): chr13:108,210,019, G>A on the plus strand (C>T on the coding strand, the complement: LIG4 is on the minus strand). VCF-style: chr13-108210019-G-A. GRCh37 (hg19) VCF-style: chr13-108862367-G-A.
Other names: c.1250C>T, p.Ala417Val (NM_001098268.2, NM_001352598.2, NM_001352599.2 and 6 more transcripts); c.1049C>T, p.Ala350Val (NM_001330595.2); c.1286C>T, p.Ala429Val (NM_001352604.2); short protein forms A429V, A417V, A350V.
Identifiers: ClinVar variation 1442352 (VCV001442352.3), dbSNP rs2138974891, ClinGen allele CA388617976.
Genomic context (GRCh38, chr13:108,210,019, plus strand): 5'-ATGGATAGAGGTTGTTTTACCATAATTCCCTCTTCTCTTTTATCTATTGCTTCATTCAAT[G>A]CATCAATTACTTCATTCTTAGTATGAGCTTGTGTTTTCTGCACTATTTCTATTCTACCTG-3'
Protein context (NP_996820.1, residues 407-427): QAHTKNEVID[Ala417Val]LNEAIDKREE

ClinVar aggregate classification (germline): Uncertain significance (1 of 4 stars; one submission).

Conditions:
DNA ligase IV deficiency. Identifiers: Orphanet 99812, MedGen C1847827, MONDO:0011686, OMIM 606593.

Submission:

Labcorp Genetics (formerly Invitae), Labcorp
Classification: Uncertain significance for DNA ligase IV deficiency. Last evaluated: 2022-07-19. Review status: criteria provided, single submitter. Criteria: Invitae Variant Classification Sherloc (09022015). Collection method: clinical testing. Allele origin: germline.
Comment: This sequence change replaces alanine, which is neutral and non-polar, with valine, which is neutral and non-polar, at codon 417 of the LIG4 protein (p.Ala417Val). This variant is not present in population databases (gnomAD no frequency). This variant has not been reported in the literature in individuals affected with LIG4-related conditions. ClinVar contains an entry for this variant (Variation ID: 1442352). Algorithms developed to predict the effect of missense changes on protein structure and function are either unavailable or do not agree on the potential impact of this missense change (SIFT: "Tolerated"; PolyPhen-2: "Possibly Damaging"; Align-GVGD: "Class C0"). In summary, the available evidence is currently insufficient to determine the role of this variant in disease. Therefore, it has been classified as a Variant of Uncertain Significance.